The following is an entry in ClinVar:

NM_015909.4(NBAS):c.586C>T (p.Gln196Ter)

Gene: NBAS (NBAS subunit of NRZ tethering complex; minus strand). Cytogenetic location: 2p24.3.
Variant type: single nucleotide variant.
Coding change: c.586C>T on transcript NM_015909.4 (MANE Select); coding-DNA position 586, C replaced by T.
Protein change: p.Gln196Ter; replaces glutamine 196 with a stop codon.
Molecular consequence: nonsense. On other transcripts: non-coding transcript variant (1).
Genome position (GRCh38, 1-based): chr2:15,536,479, G>A on the plus strand (C>T on the coding strand, the complement: NBAS is on the minus strand). VCF-style: chr2-15536479-G-A. GRCh37 (hg19) VCF-style: chr2-15676603-G-A.
Other names: short protein forms Q196*.
Identifiers: ClinVar variation 430659 (VCV000430659.5), dbSNP rs1131692171, ClinGen allele CA345886190.

ClinVar aggregate classification (germline): Pathogenic. Review status: criteria provided, multiple submitters, no conflicts (2 of 4 stars). 2 submissions from 2 submitters: Pathogenic (2). Last evaluated 2023-03-29.

Conditions:
Short stature-optic atrophy-Pelger-Huët anomaly syndrome. Also called: Short stature-optic atrophy-Pelger-HuC+t anomaly syndrome; Short stature, optic nerve atrophy, and Pelger-Huet anomaly. Identifiers: Orphanet 391677, MedGen C3541319, MONDO:0013889, OMIM 614800.

Allele frequency attached by ClinVar (database versions not stated): gnomAD 0.00001; gnomAD exomes below 0.00001.
gnomAD v4.1: 3 of 1,613,006 alleles (0.00019%); highest among the groups gnomAD compares: East Asian, 0.0067%; no homozygotes.

Submissions (2):

Labcorp Genetics (formerly Invitae), Labcorp
Classification: Pathogenic. Last evaluated: 2023-03-29. Review status: criteria provided, single submitter. Criteria: Invitae Variant Classification Sherloc (09022015). Collection method: clinical testing. Allele origin: germline.
Comment: This sequence change creates a premature translational stop signal (p.Gln196*) in the NBAS gene. It is expected to result in an absent or disrupted protein product. Loss-of-function variants in NBAS are known to be pathogenic (PMID: 26073778, 26541327, 27789416, 28031453). This variant is present in population databases (no rsID available, gnomAD 0.1%). For these reasons, this variant has been classified as Pathogenic. ClinVar contains an entry for this variant (Variation ID: 430659). This premature translational stop signal has been observed in individual(s) with recurrent acute liver failure (PMID: 28629372).

Shenzhen Institute of Pediatrics, Shenzhen Children's Hospital
Classification: Pathogenic for Short stature-optic atrophy-Pelger-Huët anomaly syndrome. Last evaluated: 2017-07-11. Review status: criteria provided, single submitter. Criteria: ACMG Guidelines, 2015. Collection method: clinical testing. Allele origin: unknown. Inheritance: Autosomal recessive inheritance. Affected: yes. Observed: 1 variant allele, 1 heterozygote.

Literature cited by the submitters: PubMed 26073778 (cited by Labcorp Genetics (formerly Invitae), Labcorp); PubMed 26541327 (cited by Labcorp Genetics (formerly Invitae), Labcorp); PubMed 27789416 (cited by Labcorp Genetics (formerly Invitae), Labcorp); PubMed 28031453 (cited by Labcorp Genetics (formerly Invitae), Labcorp); PubMed 28629372 (cited by Labcorp Genetics (formerly Invitae), Labcorp).